The following is an entry in ClinVar:

ClinVar aggregate classification (germline): Uncertain significance. Review status: criteria provided, multiple submitters, no conflicts (2 of 4 stars). 2 submissions from 2 submitters: Uncertain significance (2). Last evaluated 2024-11-14.

Conditions:
Progressive myoclonic epilepsy type 9. Identifiers: Orphanet 457265, MedGen C4225289, MONDO:0014685, OMIM 616540.
Lipodystrophy, partial, acquired, susceptibility to (APLD). Also called: APLD, SUSCEPTIBILITY TO. Identifiers: MedGen C3887501, MONDO:0100476, OMIM 608709.

Allele frequency attached by ClinVar (database versions not stated): ExAC 0.00001; gnomAD exomes 0.00001 and 0.00002.

Submissions (2):

Blueprint Genetics
Classification: Uncertain significance. Last evaluated: 2024-11-14. Review status: criteria provided, single submitter. Criteria: ACMG Guidelines, 2015. Collection method: clinical testing. Allele origin: germline.

Labcorp Genetics (formerly Invitae), Labcorp
Classification: Uncertain significance for Progressive myoclonic epilepsy type 9; Lipodystrophy, partial, acquired, susceptibility to. Last evaluated: 2022-07-12. Review status: criteria provided, single submitter. Criteria: Invitae Variant Classification Sherloc (09022015). Collection method: clinical testing. Allele origin: germline.
Comment: In summary, the available evidence is currently insufficient to determine the role of this variant in disease. Therefore, it has been classified as a Variant of Uncertain Significance. Algorithms developed to predict the effect of sequence changes on RNA splicing suggest that this variant may create or strengthen a splice site. Algorithms developed to predict the effect of missense changes on protein structure and function (SIFT, PolyPhen-2, Align-GVGD) all suggest that this variant is likely to be disruptive. ClinVar contains an entry for this variant (Variation ID: 1058282). This variant has not been reported in the literature in individuals affected with LMNB2-related conditions. The frequency data for this variant in the population databases is considered unreliable, as metrics indicate poor data quality at this position in the gnomAD database. This sequence change replaces alanine, which is neutral and non-polar, with valine, which is neutral and non-polar, at codon 299 of the LMNB2 protein (p.Ala299Val).

NM_032737.4(LMNB2):c.896C>T (p.Ala299Val)

Gene: LMNB2 (lamin B2; minus strand). Cytogenetic location: 19p13.3.
Variant type: single nucleotide variant.
Coding change: c.896C>T on transcript NM_032737.4 (MANE Select); coding-DNA position 896, C replaced by T.
Protein change: p.Ala299Val; replaces alanine 299 with valine.
Molecular consequence: missense variant.
Genome position (GRCh38, 1-based): chr19:2,434,873, G>A on the plus strand (C>T on the coding strand, the complement: LMNB2 is on the minus strand). VCF-style: chr19-2434873-G-A. GRCh37 (hg19) VCF-style: chr19-2434871-G-A.
Other names: short protein forms A299V.
Identifiers: ClinVar variation 1058282 (VCV001058282.10), dbSNP rs764892106, ClinGen allele CA9067689.